The following is an entry in ClinVar:

NM_012254.3(SLC27A5):c.1377+10C>T

Gene: SLC27A5 (solute carrier family 27 member 5; minus strand). Cytogenetic location: 19q13.43.
Variant type: single nucleotide variant.
Coding change: c.1377+10C>T on transcript NM_012254.3 (MANE Select); 10 bases into the intron after coding-DNA position 1377, C replaced by T.
Molecular consequence: intron variant.
Genome position (GRCh38, 1-based): chr19:58,500,502, G>A on the plus strand (C>T on the coding strand, the complement: SLC27A5 is on the minus strand). VCF-style: chr19-58500502-G-A. GRCh37 (hg19) VCF-style: chr19-59011869-G-A.
Other names: c.1125+10C>T (NM_001321196.2); c.1377+10C>T (NM_012254.2).
Identifiers: ClinVar variation 497772 (VCV000497772.9), dbSNP rs146267408, ClinGen allele CA9718012.

ClinVar aggregate classification (germline): Conflicting classifications of pathogenicity. Review status: criteria provided, conflicting classifications (1 of 4 stars). 3 submissions from 3 submitters: Uncertain significance (1); Benign (1). 1 of the submissions does not count toward it. Last evaluated 2024-10-26.

Conditions:
SLC27A5-related disorder. Also called: SLC27A5-related condition.

Allele frequency attached by ClinVar (database versions not stated): gnomAD exomes 0.00031 and 0.00065; ESP Exome Variant Server 0.00046; gnomAD 0.00048 and 0.00059; TOPMed 0.00049; ExAC 0.00071; 1000 Genomes Project 30x 0.00141; 1000 Genomes Project 0.00160.
gnomAD v4.1: 544 of 1,613,726 alleles (0.034%); highest among the groups gnomAD compares: South Asian, 0.39%; 3 homozygotes.

Submissions (3):

Labcorp Genetics (formerly Invitae), Labcorp
Classification: Benign. Last evaluated: 2024-10-26. Review status: criteria provided, single submitter. Criteria: Invitae Variant Classification Sherloc (09022015). Collection method: clinical testing. Allele origin: germline.

Eurofins Ntd Llc (ga)
Classification: Uncertain significance. Last evaluated: 2018-09-11. Review status: criteria provided, single submitter. Criteria: EGL ClinVar v180209 classification definitions. Collection method: clinical testing. Allele origin: germline. Observed: 4 variant alleles, 4 heterozygotes.

PreventionGenetics, part of Exact Sciences
Classification: Likely benign for SLC27A5-related condition. Last evaluated: 2021-03-31. Review status: no assertion criteria provided. Collection method: clinical testing. Allele origin: germline. Not counted in ClinVar's aggregate classification.
Comment: This variant is classified as likely benign based on ACMG/AMP sequence variant interpretation guidelines (Richards et al. 2015 PMID: 25741868, with internal and published modifications).